The following is an entry in ClinVar:

NM_001395159.1(UNC79):c.1616A>T (p.Tyr539Phe)

Gene: UNC79 (unc-79 subunit of NALCN channel complex; plus strand). Cytogenetic location: 14q32.12.
Variant type: single nucleotide variant.
Coding change: c.1616A>T on transcript NM_001395159.1 (MANE Select); coding-DNA position 1616, A replaced by T.
Protein change: p.Tyr539Phe; replaces tyrosine 539 with phenylalanine.
Molecular consequence: missense variant.
Genome position (GRCh38, 1-based): chr14:93,542,557, A>T. VCF-style: chr14-93542557-A-T. GRCh37 (hg19) VCF-style: chr14-94008903-A-T.
Other names: c.1616A>T, p.Tyr539Phe (NM_001346218.2); c.1085A>T, p.Tyr362Phe (NM_020818.5); short protein forms Y539F, Y362F.
Identifiers: ClinVar variation 3466117 (VCV003466117.3).

ClinVar aggregate classification (germline): Uncertain significance. Review status: criteria provided, multiple submitters, no conflicts (2 of 4 stars). 2 submissions from 2 submitters: Uncertain significance (2). Last evaluated 2025-12-21.

Conditions:
Inborn genetic diseases. Identifiers: MedGen C0950123, MeSH D030342.
Complex neurodevelopmental disorder. Identifiers: Orphanet 528084, MedGen C5568766, MONDO:0100038.

gnomAD v4.1: 10 of 1,614,108 alleles (0.00062%); highest among the groups gnomAD compares: Admixed American, 0.0067%; no homozygotes.

Submissions (2):

Dasa
Classification: Uncertain significance for Complex neurodevelopmental disorder. Last evaluated: 2025-12-21. Review status: criteria provided, single submitter. Criteria: DASA Assertion Criteria. Collection method: clinical testing. Allele origin: germline.
Comment: NM_001395159.1(UNC79):c.1616A>T (p.Tyr539Phe) is a missense variant that results in the substitution of tyrosine with phenylalanine. This variant is rare in population databases. The currently available literature and clinical evidence are not sufficient to establish a definitive association between this variant and the reported condition. Therefore, this variant is classified as a variant of uncertain significance.

Ambry Genetics
Classification: Uncertain significance for Inborn genetic diseases. Last evaluated: 2024-09-26. Review status: criteria provided, single submitter. Criteria: Ambry Variant Classification Scheme 2023. Collection method: clinical testing. Allele origin: germline.